The following is an entry in ClinVar:

NM_174936.4(PCSK9):c.1810C>T (p.Pro604Ser)

Gene: PCSK9 (proprotein convertase subtilisin/kexin type 9; plus strand). Cytogenetic location: 1p32.3.
Variant type: single nucleotide variant.
Coding change: c.1810C>T on transcript NM_174936.4 (MANE Select); coding-DNA position 1810, C replaced by T.
Protein change: p.Pro604Ser; replaces proline 604 with serine.
Molecular consequence: missense variant. On other transcripts: non-coding transcript variant (8).
Genome position (GRCh38, 1-based): chr1:55,061,503, C>T. VCF-style: chr1-55061503-C-T. GRCh37 (hg19) VCF-style: chr1-55527176-C-T.
Other names: c.1933C>T, p.Pro645Ser (NM_001407240.1); c.1852C>T, p.Pro618Ser (NM_001407241.1); c.1813C>T, p.Pro605Ser (NM_001407242.1); c.1753C>T, p.Pro585Ser (NM_001407243.1); c.1636C>T, p.Pro546Ser (NM_001407244.1); c.1618C>T, p.Pro540Ser (NM_001407245.1); c.1435C>T, p.Pro479Ser (NM_001407246.1); c.1309C>T, p.Pro437Ser (NM_001407247.1); short protein forms P437S, P479S, P540S, P546S, P585S, P604S, P605S, P618S.
Identifiers: ClinVar variation 3072653 (VCV003072653.1), dbSNP rs2523278537, ClinGen allele CA340480417.
Genomic context (GRCh38, chr1:55,061,503, plus strand): 5'-CAGCCCAACCAGTGCGTGGGCCACAGGGAGGCCAGCATCCACGCTTCCTGCTGCCATGCC[C>T]CAGGTCTGGAATGCAAAGTCAAGGAGCATGGAATCCCGGCCCCTCAGGAGCAGGTGAAGA-3'
Protein context (NP_777596.2, residues 594-614): ASIHASCCHA[Pro604Ser]GLECKVKEHG

ClinVar aggregate classification (germline): Uncertain significance (1 of 4 stars; one submission).

Conditions:
Hypercholesterolemia, autosomal dominant, 3 (FHCL3). Also called: Familial Hypercholesterolemia, Autosomal Dominant, 3; PCSK9-Related Familial Hypercholesterolemia, Autosomal Dominant; Familial hypercholesterolemia 3. Identifiers: MedGen C1863551, MONDO:0011369, OMIM 603776.

gnomAD v4.1: 2 of 1,605,312 alleles (0.00012%); highest among the groups gnomAD compares: South Asian, 0.0011%; no homozygotes.

Submission:

All of Us Research Program, National Institutes of Health
Classification: Uncertain significance for Hypercholesterolemia, autosomal dominant, 3. Last evaluated: 2023-08-15. Review status: criteria provided, single submitter. Criteria: ACMG Guidelines, 2015. Collection method: clinical testing. Allele origin: germline. Inheritance: Autosomal dominant inheritance. Observed: 1 variant allele, 1 heterozygote.
Comment: This study involves interpretation of variants in research participants for the purpose of population health screening. Participant phenotype was not available at the time of variant classification. Additional details can be found in publication PMID: 35346344, PMCID: PMC8962531